The following is an entry in ClinVar:

ClinVar aggregate classification (germline): Uncertain significance (1 of 4 stars; one submission).

Conditions:
Joubert syndrome. Also called: CEREBELLOPARENCHYMAL DISORDER IV; JOUBERT-BOLTSHAUSER SYNDROME; Familial aplasia of the vermis. Identifiers: Orphanet 475, MedGen C5979921, MONDO:0018772.
Meckel-Gruber syndrome. Also called: DYSENCEPHALIA SPLANCHNOCYSTICA; GRUBER SYNDROME; Dysencephalia splachnocystica. Identifiers: Orphanet 564, MedGen C0265215, MONDO:0018921.
Nephronophthisis. Also called: Juvenile Nephronophthisis. Identifiers: Orphanet 655, MedGen C0687120, MONDO:0019005, HP:0000090.

Allele frequency attached by ClinVar (database versions not stated): gnomAD exomes below 0.00001; TOPMed below 0.00001.
gnomAD v4.1: 1 of 1,579,854 alleles (0.000063%); highest among the groups gnomAD compares: Admixed American, 0.0018%; no homozygotes.

Submission:

Labcorp Genetics (formerly Invitae), Labcorp
Classification: Uncertain significance for Joubert syndrome; Meckel-Gruber syndrome; Nephronophthisis. Last evaluated: 2022-03-26. Review status: criteria provided, single submitter. Criteria: Invitae Variant Classification Sherloc (09022015). Collection method: clinical testing. Allele origin: germline.
Comment: In summary, the available evidence is currently insufficient to determine the role of this variant in disease. Therefore, it has been classified as a Variant of Uncertain Significance. Algorithms developed to predict the effect of missense changes on protein structure and function are either unavailable or do not agree on the potential impact of this missense change (SIFT: "Deleterious"; PolyPhen-2: "Probably Damaging"; Align-GVGD: "Class C0"). This variant has not been reported in the literature in individuals affected with CEP290-related conditions. This variant is not present in population databases (gnomAD no frequency). This sequence change replaces leucine, which is neutral and non-polar, with methionine, which is neutral and non-polar, at codon 552 of the CEP290 protein (p.Leu552Met).

NM_025114.4(CEP290):c.1654C>A (p.Leu552Met)

Gene: CEP290 (centrosomal protein 290; minus strand). Cytogenetic location: 12q21.32.
Variant type: single nucleotide variant.
Coding change: c.1654C>A on transcript NM_025114.4 (MANE Select); coding-DNA position 1654, C replaced by A.
Protein change: p.Leu552Met; replaces leucine 552 with methionine.
Molecular consequence: missense variant.
Genome position (GRCh38, 1-based): chr12:88,118,540, G>T on the plus strand (C>A on the coding strand, the complement: CEP290 is on the minus strand). VCF-style: chr12-88118540-G-T. GRCh37 (hg19) VCF-style: chr12-88512317-G-T.
Other names: short protein forms L552M.
Identifiers: ClinVar variation 1957504 (VCV001957504.5), dbSNP rs1446939096, ClinGen allele CA385978968.